The following is an entry in ClinVar:

NM_000077.5(CDKN2A):c.458-87G>A

Gene: CDKN2A (cyclin dependent kinase inhibitor 2A; minus strand). Cytogenetic location: 9p21.3.
Variant type: single nucleotide variant.
Coding change: c.458-87G>A on transcript NM_000077.5 (MANE Select); 87 bases into the intron before coding-DNA position 458, G replaced by A.
Molecular consequence: intron variant.
Genome position (GRCh38, 1-based): chr9:21,968,329, C>T on the plus strand (G>A on the coding strand, the complement: CDKN2A is on the minus strand). VCF-style: chr9-21968329-C-T. GRCh37 (hg19) VCF-style: chr9-21968328-C-T.
Other names: c.305-87G>A (NM_001363763.2); c.*102-87G>A (NM_058195.4); c.*151-87G>A (NM_001195132.2); c.*381-87G>A (NM_058197.5).
Identifiers: ClinVar variation 4294135 (VCV004294135.1).

ClinVar aggregate classification (germline): Benign (1 of 4 stars; one submission).

Conditions:
Melanoma-pancreatic cancer syndrome. Identifiers: Orphanet 404560, MedGen C1838547, MONDO:0011713, OMIM 606719. Disease mechanism: loss of function.

Submission:

Myriad Genetics, Inc.
Classification: Benign for Melanoma-pancreatic cancer syndrome. Last evaluated: 2025-08-15. Review status: criteria provided, single submitter. Criteria: Myriad Autosomal Dominant, Autosomal Recessive and X-Linked Classification Criteria (2023). Collection method: clinical testing. Allele origin: unknown.
Comment: This variant is considered benign. This variant is intronic and is not expected to impact mRNA splicing.